The following is an entry in ClinVar:

ClinVar aggregate classification (germline): Likely benign. Review status: criteria provided, multiple submitters, no conflicts (2 of 4 stars). 3 submissions from 3 submitters: Likely benign (2). 1 of the submissions does not count toward it. Last evaluated 2024-07-01.

Conditions:
GRN-related disorder. Also called: GRN-related condition; GRN-related disorders.
Neuronal ceroid lipofuscinosis 11. Also called: GRN-Related Neuronal Ceroid-Lipofuscinosis. Identifiers: Orphanet 314629, Orphanet 79262, MedGen C3539123, MONDO:0013866, OMIM 614706.
GRN-related frontotemporal lobar degeneration with Tdp43 inclusions (FTD2). Also called: GRN Frontotemporal Dementia; DEMENTIA, HEREDITARY DYSPHASIC DISINHIBITION; FRONTOTEMPORAL LOBAR DEGENERATION WITH UBIQUITIN-POSITIVE INCLUSIONS; FTLD-TDP, GRN-RELATED; FRONTOTEMPORAL DEMENTIA WITH TDP43 INCLUSIONS, GRN-RELATED. Identifiers: Orphanet 100070, Orphanet 282, MedGen C1843792, MONDO:0011842, OMIM 607485. Disease mechanism: loss of function.
Inborn genetic diseases. Identifiers: MedGen C0950123, MeSH D030342.

Allele frequency attached by ClinVar (database versions not stated): gnomAD exomes 0.00001; ExAC 0.00002; gnomAD 0.00003 and 0.00004; ESP Exome Variant Server 0.00008.

Submissions (3):

Labcorp Genetics (formerly Invitae), Labcorp
Classification: Likely benign for Neuronal ceroid lipofuscinosis 11; GRN-related frontotemporal lobar degeneration with Tdp43 inclusions. Last evaluated: 2024-07-01. Review status: criteria provided, single submitter. Criteria: Invitae Variant Classification Sherloc (09022015). Collection method: clinical testing. Allele origin: germline.

Ambry Genetics
Classification: Likely benign for Inborn genetic diseases. Last evaluated: 2020-03-25. Review status: criteria provided, single submitter. Criteria: Ambry Variant Classification Scheme 2023. Collection method: clinical testing. Allele origin: germline.

PreventionGenetics, part of Exact Sciences
Classification: Likely benign for GRN-related condition. Last evaluated: 2019-07-12. Review status: no assertion criteria provided. Collection method: clinical testing. Allele origin: germline. Not counted in ClinVar's aggregate classification.
Comment: This variant is classified as likely benign based on ACMG/AMP sequence variant interpretation guidelines (Richards et al. 2015 PMID: 25741868, with internal and published modifications).

NM_002087.4(GRN):c.552C>T (p.Thr184=)

Gene: GRN (granulin precursor; plus strand). Cytogenetic location: 17q21.31.
Variant type: single nucleotide variant.
Coding change: c.552C>T on transcript NM_002087.4 (MANE Select); coding-DNA position 552, C replaced by T.
Protein change: p.Thr184=; no amino-acid change (threonine 184 retained).
Molecular consequence: synonymous variant.
Genome position (GRCh38, 1-based): chr17:44,350,531, C>T. VCF-style: chr17-44350531-C-T. GRCh37 (hg19) VCF-style: chr17-42427899-C-T.
Other names: c.552C>T (NM_002087.3).
Identifiers: ClinVar variation 1550285 (VCV001550285.12), dbSNP rs141697391, ClinGen allele CA8601927.